The following is an entry in ClinVar:

NM_001376.5(DYNC1H1):c.1624G>C (p.Gly542Arg)

Gene: DYNC1H1 (dynein cytoplasmic 1 heavy chain 1; plus strand). Cytogenetic location: 14q32.31.
Variant type: single nucleotide variant.
Coding change: c.1624G>C on transcript NM_001376.5 (MANE Select); coding-DNA position 1624, G replaced by C.
Protein change: p.Gly542Arg; replaces glycine 542 with arginine.
Molecular consequence: missense variant.
Genome position (GRCh38, 1-based): chr14:101,985,849, G>C. VCF-style: chr14-101985849-G-C. GRCh37 (hg19) VCF-style: chr14-102452186-G-C.
Other names: short protein forms G542R.
Identifiers: ClinVar variation 3636118 (VCV003636118.2).

ClinVar aggregate classification (germline): Uncertain significance (1 of 4 stars; one submission).

Conditions:
Charcot-Marie-Tooth disease axonal type 2O. Also called: Charcot-Marie-Tooth disease, axonal, type 20; CHARCOT-MARIE-TOOTH NEUROPATHY, AXONAL, TYPE 2O; CHARCOT-MARIE-TOOTH DISEASE, AXONAL, AUTOSOMAL DOMINANT, TYPE 2O; Charcot-Marie-Tooth Neuropathy Type 2O. Identifiers: Orphanet 284232, MedGen C3280220, MONDO:0013644, OMIM 614228.

gnomAD v4.1: 1 of 1,614,136 alleles (0.000062%); highest among the groups gnomAD compares: Non-Finnish European, 0.000085%; no homozygotes.

Submission:

Labcorp Genetics (formerly Invitae), Labcorp
Classification: Uncertain significance for Charcot-Marie-Tooth disease axonal type 2O. Last evaluated: 2024-04-17. Review status: criteria provided, single submitter. Criteria: Invitae Variant Classification Sherloc (09022015). Collection method: clinical testing. Allele origin: germline.
Comment: This sequence change replaces glycine, which is neutral and non-polar, with arginine, which is basic and polar, at codon 542 of the DYNC1H1 protein (p.Gly542Arg). This variant is not present in population databases (gnomAD no frequency). This variant has not been reported in the literature in individuals affected with DYNC1H1-related conditions. Advanced modeling of protein sequence and biophysical properties (such as structural, functional, and spatial information, amino acid conservation, physicochemical variation, residue mobility, and thermodynamic stability) performed at Invitae indicates that this missense variant is expected to disrupt DYNC1H1 protein function with a positive predictive value of 95%. In summary, the available evidence is currently insufficient to determine the role of this variant in disease. Therefore, it has been classified as a Variant of Uncertain Significance.